The following is an entry in ClinVar:

NM_000057.4(BLM):c.3752-3C>T

Gene: BLM (BLM RecQ like helicase; plus strand). Cytogenetic location: 15q26.1.
Variant type: single nucleotide variant.
Coding change: c.3752-3C>T on transcript NM_000057.4 (MANE Select); 3 bases into the intron before coding-DNA position 3752, C replaced by T.
Molecular consequence: intron variant.
Genome position (GRCh38, 1-based): chr15:90,809,134, C>T. VCF-style: chr15-90809134-C-T. GRCh37 (hg19) VCF-style: chr15-91352364-C-T.
Other names: c.3359-3C>T (NM_001287247.2); c.3752-3C>T (NM_001287246.2); c.2627-3C>T (NM_001287248.2).
Identifiers: ClinVar variation 1734572 (VCV001734572.5), dbSNP rs2505561257, ClinGen allele CA2580090241.

ClinVar aggregate classification (germline): Conflicting classifications of pathogenicity. Review status: criteria provided, conflicting classifications (1 of 4 stars). 2 submissions from 2 submitters: Uncertain significance (1); Likely benign (1). Last evaluated 2026-02-02.

Conditions:
Hereditary cancer-predisposing syndrome. Also called: Neoplastic Syndromes, Hereditary; Tumor predisposition; Hereditary Cancer Syndrome; Hereditary neoplastic syndrome. Identifiers: Orphanet 140162, MedGen C0027672, MeSH D009386, MONDO:0015356.
Bloom syndrome (BLM). Also called: Bloom-Torre-Machacek syndrome. Identifiers: Orphanet 125, MedGen C0005859, MONDO:0008876, OMIM 210900.

Submissions (2):

Labcorp Genetics (formerly Invitae), Labcorp
Classification: Likely benign for Bloom syndrome. Last evaluated: 2026-02-02. Review status: criteria provided, single submitter. Criteria: Invitae Variant Classification Sherloc (09022015). Collection method: clinical testing. Allele origin: germline.

Ambry Genetics
Classification: Uncertain significance for Hereditary cancer-predisposing syndrome. Last evaluated: 2022-08-02. Review status: criteria provided, single submitter. Criteria: Ambry Variant Classification Scheme 2023. Collection method: clinical testing. Allele origin: germline.
Comment: The c.3752-3C>T intronic variant results from a C to T substitution 3 nucleotides upstream from coding exon 19 in the BLM gene. This nucleotide position is well conserved in available vertebrate species. In silico splice site analysis predicts that this alteration will not have any significant effect on splicing. Since supporting evidence is limited at this time, the clinical significance of this alteration remains unclear.